The following is an entry in ClinVar:

NM_001378609.3(OTOGL):c.6736-2A>G

Gene: OTOGL (otogelin like; plus strand). Cytogenetic location: 12q21.31.
Variant type: single nucleotide variant.
Coding change: c.6736-2A>G on transcript NM_001378609.3 (MANE Select); the canonical splice acceptor site of the intron before coding-DNA position 6736, A replaced by G.
Molecular consequence: splice acceptor variant.
Genome position (GRCh38, 1-based): chr12:80,372,017, A>G. VCF-style: chr12-80372017-A-G. GRCh37 (hg19) VCF-style: chr12-80765797-A-G.
Other names: c.6601-2A>G (NM_001368062.3); c.6736-2A>G (NM_001378610.3, NM_173591.7).
Identifiers: ClinVar variation 2989728 (VCV002989728.3), dbSNP rs2541458142, ClinGen allele CA385860251.

ClinVar aggregate classification (germline): Likely pathogenic (1 of 4 stars; one submission).

Submission:

Labcorp Genetics (formerly Invitae), Labcorp
Classification: Likely pathogenic. Last evaluated: 2023-10-11. Review status: criteria provided, single submitter. Criteria: Invitae Variant Classification Sherloc (09022015). Collection method: clinical testing. Allele origin: germline.
Comment: This sequence change affects an acceptor splice site in intron 55 of the OTOGL gene. It is expected to disrupt RNA splicing. Variants that disrupt the donor or acceptor splice site typically lead to a loss of protein function (PMID: 16199547), and loss-of-function variants in OTOGL are known to be pathogenic (PMID: 23122586). This variant is not present in population databases (gnomAD no frequency). This variant has not been reported in the literature in individuals affected with OTOGL-related conditions. Algorithms developed to predict the effect of sequence changes on RNA splicing suggest that this variant may disrupt the consensus splice site. In summary, the currently available evidence indicates that the variant is pathogenic, but additional data are needed to prove that conclusively. Therefore, this variant has been classified as Likely Pathogenic.

Literature cited by the submitters: PubMed 16199547; PubMed 23122586.